The following is an entry in ClinVar:

ClinVar aggregate classification (germline): Uncertain significance (1 of 4 stars; one submission).

Conditions:
Baller-Gerold syndrome (BGS). Also called: CRANIOSYNOSTOSIS WITH RADIAL DEFECTS. Identifiers: Orphanet 1225, MedGen C0265308, MONDO:0009039, OMIM 218600.

Allele frequency attached by ClinVar (database versions not stated): ExAC below 0.00001; gnomAD 0.00001; TOPMed 0.00001.
gnomAD v4.1: 6 of 1,609,700 alleles (0.00037%); highest among the groups gnomAD compares: South Asian, 0.0011%; no homozygotes.

Submission:

Labcorp Genetics (formerly Invitae), Labcorp
Classification: Uncertain significance for Baller-Gerold syndrome. Last evaluated: 2024-04-01. Review status: criteria provided, single submitter. Criteria: Invitae Variant Classification Sherloc (09022015). Collection method: clinical testing. Allele origin: germline.
Comment: This sequence change replaces proline, which is neutral and non-polar, with serine, which is neutral and polar, at codon 188 of the RECQL4 protein (p.Pro188Ser). This variant is present in population databases (rs769976284, gnomAD 0.0008%). This variant has not been reported in the literature in individuals affected with RECQL4-related conditions. ClinVar contains an entry for this variant (Variation ID: 843566). Advanced modeling of protein sequence and biophysical properties (such as structural, functional, and spatial information, amino acid conservation, physicochemical variation, residue mobility, and thermodynamic stability) performed at Invitae indicates that this missense variant is not expected to disrupt RECQL4 protein function with a negative predictive value of 80%. In summary, the available evidence is currently insufficient to determine the role of this variant in disease. Therefore, it has been classified as a Variant of Uncertain Significance.

NM_004260.4(RECQL4):c.562C>T (p.Pro188Ser)

Gene: RECQL4 (RecQ like helicase 4; minus strand). Cytogenetic location: 8q24.3.
Variant type: single nucleotide variant.
Coding change: c.562C>T on transcript NM_004260.4 (MANE Select); coding-DNA position 562, C replaced by T.
Protein change: p.Pro188Ser; replaces proline 188 with serine.
Molecular consequence: missense variant.
Genome position (GRCh38, 1-based): chr8:144,516,557, G>A on the plus strand (C>T on the coding strand, the complement: RECQL4 is on the minus strand). VCF-style: chr8-144516557-G-A. GRCh37 (hg19) VCF-style: chr8-145741941-G-A.
Other names: short protein forms P188S.
Identifiers: ClinVar variation 843566 (VCV000843566.6), dbSNP rs769976284, ClinGen allele CA4949249.